The following is an entry in ClinVar:

ClinVar aggregate classification (germline): Uncertain significance. Review status: criteria provided, multiple submitters, no conflicts (2 of 4 stars). 3 submissions from 3 submitters: Uncertain significance (3). Last evaluated 2026-03-23.

Conditions:
Inborn genetic diseases. Identifiers: MedGen C0950123, MeSH D030342.

Submissions (3):

GeneDx
Classification: Uncertain significance. Last evaluated: 2026-03-23. Review status: criteria provided, single submitter. Criteria: GeneDx Variant Classification Process June 2021. Collection method: clinical testing. Allele origin: germline.
Comment: Not observed at significant frequency in large population cohorts (gnomAD); In silico analysis suggests that this missense variant does not alter protein structure/function; Has not been previously published as pathogenic or benign to our knowledge

Ambry Genetics
Classification: Uncertain significance for Inborn genetic diseases. Last evaluated: 2025-04-12. Review status: criteria provided, single submitter. Criteria: Ambry Variant Classification Scheme 2023. Collection method: clinical testing. Allele origin: germline.

Labcorp Genetics (formerly Invitae), Labcorp
Classification: Uncertain significance. Last evaluated: 2024-05-06. Review status: criteria provided, single submitter. Criteria: Invitae Variant Classification Sherloc (09022015). Collection method: clinical testing. Allele origin: germline.
Comment: This sequence change replaces serine, which is neutral and polar, with cysteine, which is neutral and slightly polar, at codon 135 of the KMT2B protein (p.Ser135Cys). This variant is not present in population databases (gnomAD no frequency). This variant has not been reported in the literature in individuals affected with KMT2B-related conditions. Advanced modeling of protein sequence and biophysical properties (such as structural, functional, and spatial information, amino acid conservation, physicochemical variation, residue mobility, and thermodynamic stability) performed at Invitae indicates that this missense variant is not expected to disrupt KMT2B protein function with a negative predictive value of 95%. In summary, the available evidence is currently insufficient to determine the role of this variant in disease. Therefore, it has been classified as a Variant of Uncertain Significance.

NM_014727.3(KMT2B):c.403A>T (p.Ser135Cys)

Gene: KMT2B (lysine methyltransferase 2B; plus strand). Cytogenetic location: 19q13.12.
Variant type: single nucleotide variant.
Coding change: c.403A>T on transcript NM_014727.3 (MANE Select); coding-DNA position 403, A replaced by T.
Protein change: p.Ser135Cys; replaces serine 135 with cysteine.
Molecular consequence: missense variant.
Genome position (GRCh38, 1-based): chr19:35,719,508, A>T. VCF-style: chr19-35719508-A-T. GRCh37 (hg19) VCF-style: chr19-36210410-A-T.
Other names: c.403A>T (NM_014727.1, NM_014727.2); short protein forms S135C.
Identifiers: ClinVar variation 3005731 (VCV003005731.5), dbSNP rs2513310126, ClinGen allele CA405378190.